The following is an entry in ClinVar:

ClinVar aggregate classification (germline): Pathogenic. Review status: criteria provided, multiple submitters, no conflicts (2 of 4 stars). 2 submissions from 2 submitters: Pathogenic (2). Last evaluated 2024-04-22.

Conditions:
Autosomal dominant nonsyndromic hearing loss 9. Identifiers: Orphanet 90635, MedGen C1832425, MONDO:0011058, OMIM 601369.

Submissions (2):

Institute of Medical Genetics and Applied Genomics, University Hospital Tübingen
Classification: Pathogenic for Autosomal dominant nonsyndromic hearing loss 9. Last evaluated: 2024-04-22. Review status: criteria provided, single submitter. Criteria: ACMG Guidelines, 2015. Collection method: clinical testing. Allele origin: germline. Inheritance: Autosomal dominant inheritance. Affected: yes.

Labcorp Genetics (formerly Invitae), Labcorp
Classification: Pathogenic. Last evaluated: 2023-12-06. Review status: criteria provided, single submitter. Criteria: Invitae Variant Classification Sherloc (09022015). Collection method: clinical testing. Allele origin: germline.
Comment: This sequence change replaces phenylalanine, which is neutral and non-polar, with serine, which is neutral and polar, at codon 121 of the COCH protein (p.Phe121Ser). This variant is not present in population databases (gnomAD no frequency). This missense change has been observed in individual(s) with autosomal dominant deafness (PMID: 21046548). It has also been observed to segregate with disease in related individuals. An algorithm developed to predict the effect of missense changes on protein structure and function (PolyPhen-2) suggests that this variant is likely to be disruptive. Experimental studies have shown that this missense change affects COCH function (PMID: 25230692). For these reasons, this variant has been classified as Pathogenic.

Literature cited by the submitters: PubMed 21046548 (cited by Labcorp Genetics (formerly Invitae), Labcorp); PubMed 25230692 (cited by Labcorp Genetics (formerly Invitae), Labcorp).

NM_004086.3(COCH):c.362T>C (p.Phe121Ser)

Genes: COCH (cochlin; plus strand), COCH-AS1 (COCH antisense RNA 1; minus strand). Cytogenetic location: 14q12.
Variant type: single nucleotide variant.
Coding change: c.362T>C on transcript NM_004086.3 (MANE Select); coding-DNA position 362, T replaced by C.
Protein change: p.Phe121Ser; replaces phenylalanine 121 with serine.
Molecular consequence: missense variant.
Genome position (GRCh38, 1-based): chr14:30,878,933, T>C. VCF-style: chr14-30878933-T-C. GRCh37 (hg19) VCF-style: chr14-31348139-T-C.
Other names: c.362T>C, p.Phe121Ser (NM_001135058.2); c.557T>C, p.Phe186Ser (NM_001347720.2); short protein forms F121S, F186S.
Identifiers: ClinVar variation 2736106 (VCV002736106.4), dbSNP rs2502716376, ClinGen allele CA389344751.